The following is an entry in ClinVar:

ClinVar aggregate classification (germline): Uncertain significance. Review status: criteria provided, multiple submitters, no conflicts (2 of 4 stars). 2 submissions from 2 submitters: Uncertain significance (2). Last evaluated 2026-02-10.

Conditions:
SCN11A-related disorder. Also called: SCN11A-related condition.
Hereditary sensory and autonomic neuropathy type 7. Also called: HSAN VII; Neuropathy, hereditary sensory and autonomic, type VII. Identifiers: Orphanet 391397, MedGen C3809882, MONDO:0014244, OMIM 615548.
Familial episodic pain syndrome with predominantly lower limb involvement. Also called: Episodic pain syndrome, familial, 3. Identifiers: Orphanet 391384, Orphanet 391392, MedGen C3809899, MONDO:0014247, OMIM 615552.

Allele frequency attached by ClinVar (database versions not stated): gnomAD 0.00001; TOPMed 0.00001.
gnomAD v4.1: 30 of 1,610,986 alleles (0.0019%); highest among the groups gnomAD compares: South Asian, 0.027%; no homozygotes.

Submissions (2):

PreventionGenetics, part of Exact Sciences
Classification: Uncertain significance for SCN11A-related condition. Last evaluated: 2026-02-10. Review status: criteria provided, single submitter. Criteria: ACMG Guidelines, 2015. Collection method: clinical testing. Allele origin: germline.
Comment: The SCN11A c.2807G>A variant is predicted to result in the amino acid substitution p.Arg936His. To our knowledge, this variant has not been reported in the literature. This variant is reported in 0.013% of alleles in individuals of South Asian descent in gnomAD. At this time, the clinical significance of this variant is uncertain due to the absence of conclusive functional and genetic evidence.

Labcorp Genetics (formerly Invitae), Labcorp
Classification: Uncertain significance for Familial episodic pain syndrome with predominantly lower limb involvement; Hereditary sensory and autonomic neuropathy type 7. Last evaluated: 2024-10-09. Review status: criteria provided, single submitter. Criteria: Invitae Variant Classification Sherloc (09022015). Collection method: clinical testing. Allele origin: germline.
Comment: This sequence change replaces arginine, which is basic and polar, with histidine, which is basic and polar, at codon 936 of the SCN11A protein (p.Arg936His). This variant is present in population databases (rs755531821, gnomAD 0.01%). This variant has not been reported in the literature in individuals affected with SCN11A-related conditions. ClinVar contains an entry for this variant (Variation ID: 2174036). An algorithm developed to predict the effect of missense changes on protein structure and function outputs the following: PolyPhen-2: "Benign". The histidine amino acid residue is found in multiple mammalian species, which suggests that this missense change does not adversely affect protein function. In summary, the available evidence is currently insufficient to determine the role of this variant in disease. Therefore, it has been classified as a Variant of Uncertain Significance.

NM_001349253.2(SCN11A):c.2807G>A (p.Arg936His)

Gene: SCN11A (sodium voltage-gated channel alpha subunit 11; minus strand). Cytogenetic location: 3p22.2.
Variant type: single nucleotide variant.
Coding change: c.2807G>A on transcript NM_001349253.2 (MANE Select); coding-DNA position 2807, G replaced by A.
Protein change: p.Arg936His; replaces arginine 936 with histidine.
Molecular consequence: missense variant.
Genome position (GRCh38, 1-based): chr3:38,894,561, C>T on the plus strand (G>A on the coding strand, the complement: SCN11A is on the minus strand). VCF-style: chr3-38894561-C-T. GRCh37 (hg19) VCF-style: chr3-38936052-C-T.
Other names: c.2807G>A, p.Arg936His (NM_014139.3); c.2807G>A (NM_014139.2); short protein forms R936H.
Identifiers: ClinVar variation 2174036 (VCV002174036.5), dbSNP rs755531821, ClinGen allele CA2321963.
Genomic context (GRCh38, chr3:38,894,561, plus strand): 5'-TGACCTTTAAGTCTATGTGTGAACCTTCATACCTGTTGTTCAGGCTCAGGTTGTGTGATG[C>T]GCTGTGCATTATCTTCACCAGAAAATTCAACGTCATCTTCCTCCTCCGCAAGTGGTGCCA-3'
Protein context (NP_001336182.1, residues 926-946): VEFSGEDNAQ[Arg936His]ITQPEPEQQA